The following is an entry in ClinVar:

NM_001198950.3(MYO16):c.2121C>T (p.Ser707=)

Gene: MYO16 (myosin XVI; plus strand). Cytogenetic location: 13q33.3.
Variant type: single nucleotide variant.
Coding change: c.2121C>T on transcript NM_001198950.3 (MANE Select); coding-DNA position 2121, C replaced by T.
Protein change: p.Ser707=; no amino-acid change (serine 707 retained).
Molecular consequence: synonymous variant.
Genome position (GRCh38, 1-based): chr13:108,961,622, C>T. VCF-style: chr13-108961622-C-T. GRCh37 (hg19) VCF-style: chr13-109613970-C-T.
Other names: c.2055C>T, p.Ser685= (NM_015011.3).
Identifiers: ClinVar variation 710215 (VCV000710215.7), dbSNP rs112439513, ClinGen allele CA7044962.

ClinVar aggregate classification (germline): Benign. Review status: criteria provided, multiple submitters, no conflicts (2 of 4 stars). 3 submissions from 3 submitters: Benign (2). 1 of the submissions does not count toward it. Last evaluated 2019-12-31.

Conditions:
MYO16-related disorder. Also called: MYO16-related condition.

Allele frequency attached by ClinVar (database versions not stated): gnomAD exomes 0.00062 and 0.00146; ExAC 0.00180; 1000 Genomes Project 30x 0.00437; 1000 Genomes Project 0.00459; gnomAD 0.00562 and 0.00609; TOPMed 0.00638; ESP Exome Variant Server 0.00684.
gnomAD v4.1: 1,792 of 1,614,032 alleles (0.11%); highest among the groups gnomAD compares: African/African-American, 2.1%; 19 homozygotes.

Submissions (3):

Labcorp Genetics (formerly Invitae), Labcorp
Classification: Benign. Last evaluated: 2019-12-31. Review status: criteria provided, single submitter. Criteria: Invitae Variant Classification Sherloc (09022015). Collection method: clinical testing. Allele origin: germline.

Breakthrough Genomics
Classification: Benign. Review status: criteria provided, single submitter. Criteria: ACMG Guidelines, 2015. Collection method: not provided. Allele origin: germline. Inheritance: Unknown mechanism. Affected: yes.

PreventionGenetics, part of Exact Sciences
Classification: Benign for MYO16-related condition. Last evaluated: 2019-04-01. Review status: no assertion criteria provided. Collection method: clinical testing. Allele origin: germline. Not counted in ClinVar's aggregate classification.
Comment: This variant is classified as benign based on ACMG/AMP sequence variant interpretation guidelines (Richards et al. 2015 PMID: 25741868, with internal and published modifications).